The following is an entry in ClinVar:

ClinVar aggregate classification (germline): Uncertain significance. Review status: criteria provided, multiple submitters, no conflicts (2 of 4 stars). 2 submissions from 2 submitters: Uncertain significance (2). Last evaluated 2022-11-08.

Conditions:
Hoyeraal-Hreidarsson syndrome (HHS). Also called: CEREBELLAR HYPOPLASIA WITH PANCYTOPENIA. Identifiers: Orphanet 3322, MedGen C1846142, MONDO:0018045.
Autosomal recessive dyskeratosis congenita. Identifiers: MedGen C3502105.

Allele frequency attached by ClinVar (database versions not stated): TOPMed 0.00001; gnomAD exomes 0.00002 and 0.00003; gnomAD 0.00003 and 0.00004.
gnomAD v4.1: 42 of 1,614,000 alleles (0.0026%); highest among the groups gnomAD compares: Non-Finnish European, 0.0036%; no homozygotes.

Submissions (2):

Ambry Genetics
Classification: Uncertain significance. Last evaluated: 2022-11-08. Review status: criteria provided, single submitter. Criteria: Ambry Variant Classification Scheme 2023. Collection method: clinical testing. Allele origin: germline.

Labcorp Genetics (formerly Invitae), Labcorp
Classification: Uncertain significance for Hoyeraal-Hreidarsson syndrome; Autosomal recessive dyskeratosis congenita. Last evaluated: 2019-02-12. Review status: criteria provided, single submitter. Criteria: Invitae Variant Classification Sherloc (09022015). Collection method: clinical testing. Allele origin: germline.
Comment: In summary, the available evidence is currently insufficient to determine the role of this variant in disease. Therefore, it has been classified as a Variant of Uncertain Significance. Algorithms developed to predict the effect of missense changes on protein structure and function output the following: SIFT: "Tolerated"; PolyPhen-2: "Benign"; Align-GVGD: "Class C0". The glycine amino acid residue is found in multiple mammalian species, suggesting that this missense change does not adversely affect protein function. These predictions have not been confirmed by published functional studies and their clinical significance is uncertain. This variant has not been reported in the literature in individuals with DCLRE1B-related disease. This variant is not present in population databases (ExAC no frequency). This sequence change replaces aspartic acid with glycine at codon 308 of the DCLRE1B protein (p.Asp308Gly). The aspartic acid residue is weakly conserved and there is a moderate physicochemical difference between aspartic acid and glycine.

NM_022836.4(DCLRE1B):c.923A>G (p.Asp308Gly)

Gene: DCLRE1B (DNA cross-link repair 1B; plus strand). Cytogenetic location: 1p13.2.
Variant type: single nucleotide variant.
Coding change: c.923A>G on transcript NM_022836.4 (MANE Select); coding-DNA position 923, A replaced by G.
Protein change: p.Asp308Gly; replaces aspartic acid 308 with glycine.
Molecular consequence: missense variant.
Genome position (GRCh38, 1-based): chr1:113,911,515, A>G. VCF-style: chr1-113911515-A-G. GRCh37 (hg19) VCF-style: chr1-114454137-A-G.
Other names: c.545A>G, p.Asp182Gly (NM_001319946.2, NM_001319947.2, NM_001363691.2); c.923A>G, p.Asp308Gly (NM_001363690.2, LRG_1219t1); short protein forms D308G, D182G.
Identifiers: ClinVar variation 581525 (VCV000581525.12), dbSNP rs1199130382, ClinGen allele CA341703691.